The following is an entry in ClinVar:

NM_001042492.3(NF1):c.3600_3601delinsG (p.Leu1201fs)

Gene: NF1 (neurofibromin 1; plus strand). Cytogenetic location: 17q11.2.
Variant type: Indel.
Coding change: c.3600_3601delinsG on transcript NM_001042492.3 (MANE Select); coding-DNA positions 3600 to 3601, AT replaced by G.
Protein change: p.Leu1201fs; shifts the reading frame from leucine 1201.
Molecular consequence: frameshift variant.
Genome position (GRCh38, 1-based): chr17:31,233,105-31,233,106, AT replaced by G. VCF-style: chr17-31233105-AT-G. GRCh37 (hg19) VCF-style: chr17-29560123-AT-G.
Other names: c.3600_3601delATinsG, p.Leu1201Trpfs (NM_000267.4); short protein forms L1201fs.
Identifiers: ClinVar variation 3381917 (VCV003381917.2).
Genomic context (GRCh38, chr17:31,233,105, plus strand): 5'-GGAAGTTCTGACAAAAATCCTTCAACAAGGCACAGAATTTGACACACTTGCAGAAACAGT[AT>G]TGGCTGATCGGTTTGAGAGATTGGTGGAACTGGTCACAATGATGGGTGATCAAGGAGAAC-3'

ClinVar aggregate classification (germline): Pathogenic (1 of 4 stars; one submission).

Conditions:
Neurofibromatosis, type 1 (NF1). Also called: Neurofibromatosis, type I; VON RECKLINGHAUSEN DISEASE; NEUROFIBROMATOSIS, TYPE I, SOMATIC; Peripheral type neurofibromatosis. Identifiers: Orphanet 636, MedGen C0027831, MONDO:0018975, OMIM 162200. Disease mechanism: loss of function.

Submission:

Juno Genomics, Hangzhou Juno Genomics, Inc
Classification: Pathogenic for Neurofibromatosis, type 1. Review status: criteria provided, single submitter. Criteria: ACMG Guidelines, 2015. Collection method: clinical testing. Allele origin: germline. Affected: yes.
Comment: Null variant in a gene where loss of function (LOF) is a known mechanism of disease.;Absent from controls (or at extremely low frequency if recessive) in Genome Aggregation Database, Exome Sequencing Project, 1000 Genomes Project, or Exome Aggregation Consortium.;Patient's phenotype or family history is highly specific for a disease with a single genetic etiology.